The following is an entry in ClinVar:

ClinVar aggregate classification (germline): Uncertain significance (1 of 4 stars; one submission).

Conditions:
Long QT syndrome (LQTS). Identifiers: MedGen C0023976, MeSH D008133, MONDO:0002442. Disease mechanism: loss of function. Inheritance: Various modes of inheritance.

Submission:

Labcorp Genetics (formerly Invitae), Labcorp
Classification: Uncertain significance for Long QT syndrome. Last evaluated: 2025-05-18. Review status: criteria provided, single submitter. Criteria: Invitae Variant Classification Sherloc (09022015). Collection method: clinical testing. Allele origin: germline.
Comment: This sequence change replaces cysteine, which is neutral and slightly polar, with phenylalanine, which is neutral and non-polar, at codon 106 of the CAV3 protein (p.Cys106Phe). This variant is not present in population databases (gnomAD no frequency). This variant has not been reported in the literature in individuals affected with CAV3-related conditions. An algorithm developed to predict the effect of missense changes on protein structure and function (PolyPhen-2) suggests that this variant is likely to be disruptive. In summary, the available evidence is currently insufficient to determine the role of this variant in disease. Therefore, it has been classified as a Variant of Uncertain Significance.

NM_033337.3(CAV3):c.317G>T (p.Cys106Phe)

Genes: OXTR (oxytocin receptor; minus strand), CAV3 (caveolin 3; plus strand). Cytogenetic location: 3p25.3.
Variant type: single nucleotide variant.
Coding change: c.317G>T on transcript NM_033337.3 (MANE Select); coding-DNA position 317, G replaced by T.
Protein change: p.Cys106Phe; replaces cysteine 106 with phenylalanine.
Molecular consequence: missense variant.
Genome position (GRCh38, 1-based): chr3:8,745,728, G>T. VCF-style: chr3-8745728-G-T. GRCh37 (hg19) VCF-style: chr3-8787414-G-T.
Other names: c.317G>T, p.Cys106Phe (NM_001234.5); short protein forms C106F.
Identifiers: ClinVar variation 4719748 (VCV004719748.1).